The following is an entry in ClinVar:

ClinVar aggregate classification (germline): Uncertain significance (1 of 4 stars; one submission).

Submission:

Labcorp Genetics (formerly Invitae), Labcorp
Classification: Uncertain significance. Last evaluated: 2022-02-05. Review status: criteria provided, single submitter. Criteria: Invitae Variant Classification Sherloc (09022015). Collection method: clinical testing. Allele origin: germline.
Comment: In summary, the available evidence is currently insufficient to determine the role of this variant in disease. Therefore, it has been classified as a Variant of Uncertain Significance. This variant has not been reported in the literature in individuals affected with COX6A1-related conditions. This variant is not present in population databases (gnomAD no frequency). This sequence change creates a premature translational stop signal (p.Asn56Metfs*4) in the COX6A1 gene. It is expected to result in an absent or disrupted protein product. However, the current clinical and genetic evidence is not sufficient to establish whether loss-of-function variants in COX6A1 cause disease.

NM_004373.4(COX6A1):c.167del (p.Asn56fs)

Gene: COX6A1 (cytochrome c oxidase subunit 6A1; plus strand). Cytogenetic location: 12q24.31.
Variant type: Deletion.
Coding change: c.167del on transcript NM_004373.4 (MANE Select); coding-DNA position 167, one base deleted (A; older notation c.167delA).
Protein change: p.Asn56fs; shifts the reading frame from asparagine 56.
Molecular consequence: frameshift variant.
Genome position (GRCh38, 1-based): chr12:120,438,442, A deleted; the last of 2 consecutive A bases (chr12:120,438,441-120,438,442); deleting either gives the same sequence. VCF-style (leftmost placement, unchanged base first): chr12-120438440-GA-G. GRCh37 (hg19) VCF-style: chr12-120876243-GA-G.
Other names: short protein forms N56fs.
Identifiers: ClinVar variation 1411524 (VCV001411524.6), dbSNP rs2137030833, ClinGen allele CA2573148024.